The following is an entry in ClinVar:

NC_000016.9:g.(?_15802668)_(15932109_?)del

Genes: NDE1 (nudE neurodevelopment protein 1; plus strand), MYH11 (myosin heavy chain 11; minus strand). Cytogenetic location: 16p13.11.
Variant type: Deletion.
Identifiers: ClinVar variation 1457720 (VCV001457720.1).

ClinVar aggregate classification (germline): Pathogenic (1 of 4 stars; one submission).

Conditions:
Aortic aneurysm, familial thoracic 4 (AAT4). Also called: AORTIC ANEURYSM/AORTIC DISSECTION AND PATENT DUCTUS ARTERIOSUS. Identifiers: MedGen C1851504, MONDO:0007568, OMIM 132900.

Submission:

Labcorp Genetics (formerly Invitae), Labcorp
Classification: Pathogenic for Aortic aneurysm, familial thoracic 4. Last evaluated: 2021-07-06. Review status: criteria provided, single submitter. Criteria: Invitae Variant Classification Sherloc (09022015). Collection method: clinical testing. Allele origin: germline.
Comment: A gross deletion of the genomic region encompassing the full coding sequence of the MYH11 gene has been identified. Loss-of-function variants in MYH11 are known to be pathogenic (PMID: 25407000, 29575632). The boundaries of this event are unknown as they extend beyond the assayed region for this gene and therefore may encompass additional genes. Isolated whole-gene deletions of MYH11 have not been reported in the literature. However, larger copy number events that include this gene have been reported (PMID: 22318994, 27884122, 29179725). For these reasons, this variant has been classified as Pathogenic.

Literature cited by the submitters: PubMed 25407000; PubMed 29575632; PubMed 22318994; PubMed 27884122; PubMed 29179725.